The following is an entry in ClinVar:

NM_001458.5(FLNC):c.5084T>C (p.Val1695Ala)

Gene: FLNC (filamin C; plus strand). Cytogenetic location: 7q32.1.
Variant type: single nucleotide variant.
Coding change: c.5084T>C on transcript NM_001458.5 (MANE Select); coding-DNA position 5084, T replaced by C.
Protein change: p.Val1695Ala; replaces valine 1695 with alanine.
Molecular consequence: missense variant.
Genome position (GRCh38, 1-based): chr7:128,849,463, T>C. VCF-style: chr7-128849463-T-C. GRCh37 (hg19) VCF-style: chr7-128489517-T-C.
Other names: c.5084T>C, p.Val1695Ala (NM_001127487.2); short protein forms V1695A.
Identifiers: ClinVar variation 2939040 (VCV002939040.3), dbSNP rs759845069, ClinGen allele CA4475555.

ClinVar aggregate classification (germline): Uncertain significance. Review status: criteria provided, multiple submitters, no conflicts (2 of 4 stars). 2 submissions from 2 submitters: Uncertain significance (2). Last evaluated 2024-01-26.

Conditions:
Hypertrophic cardiomyopathy 26. Also called: Cardiomyopathy, familial hypertrophic, 26. Identifiers: Orphanet 75249, MedGen C4310749, MONDO:0014883, OMIM 617047.
Dilated Cardiomyopathy, Dominant.
Myofibrillar myopathy 5. Also called: Filaminopathy (type); FILAMINOPATHY, AUTOSOMAL DOMINANT. Identifiers: Orphanet 171445, MedGen C1836050, MONDO:0012289, OMIM 609524.
Distal myopathy with posterior leg and anterior hand involvement. Also called: WILLIAMS DISTAL MYOPATHY. Identifiers: Orphanet 63273, MedGen C3279722, MONDO:0013550, OMIM 614065.

Allele frequency attached by ClinVar (database versions not stated): gnomAD exomes below 0.00001; ExAC 0.00001.
gnomAD v4.1: 1 of 1,614,148 alleles (0.000062%); highest among the groups gnomAD compares: South Asian, 0.0011%; no homozygotes.

Submissions (2):

GeneDx
Classification: Uncertain significance. Last evaluated: 2024-01-26. Review status: criteria provided, single submitter. Criteria: GeneDx Variant Classification Process June 2021. Collection method: clinical testing. Allele origin: germline. Affected: yes.
Comment: Not observed at significant frequency in large population cohorts (gnomAD); In silico analysis supports that this missense variant has a deleterious effect on protein structure/function; Has not been previously published as pathogenic or benign to our knowledge

Labcorp Genetics (formerly Invitae), Labcorp
Classification: Uncertain significance for Distal myopathy with posterior leg and anterior hand involvement; Myofibrillar myopathy 5; Hypertrophic cardiomyopathy 26. Last evaluated: 2023-09-20. Review status: criteria provided, single submitter. Criteria: Invitae Variant Classification Sherloc (09022015). Collection method: clinical testing. Allele origin: germline.
Comment: Advanced modeling of protein sequence and biophysical properties (such as structural, functional, and spatial information, amino acid conservation, physicochemical variation, residue mobility, and thermodynamic stability) has been performed at Invitae for this missense variant, however the output from this modeling did not meet the statistical confidence thresholds required to predict the impact of this variant on FLNC protein function. In summary, the available evidence is currently insufficient to determine the role of this variant in disease. Therefore, it has been classified as a Variant of Uncertain Significance. This variant has not been reported in the literature in individuals affected with FLNC-related conditions. This variant is present in population databases (rs759845069, gnomAD 0.003%). This sequence change replaces valine, which is neutral and non-polar, with alanine, which is neutral and non-polar, at codon 1695 of the FLNC protein (p.Val1695Ala).